The following is an entry in ClinVar:

NM_000051.4(ATM):c.1898+5del

Gene: ATM (ATM serine/threonine kinase; plus strand). Cytogenetic location: 11q22.3.
Variant type: Deletion.
Coding change: c.1898+5del on transcript NM_000051.4 (MANE Select); 5 bases into the intron after coding-DNA position 1898, one base deleted (G; older notation c.1898+5delG).
Molecular consequence: intron variant.
Genome position (GRCh38, 1-based): chr11:108,252,917, G deleted. VCF-style (leftmost placement, unchanged base first): chr11-108252916-TG-T. GRCh37 (hg19) VCF-style: chr11-108123643-TG-T.
Other names: c.1898+5del (NM_001351834.2).
Identifiers: ClinVar variation 1463391 (VCV001463391.8), dbSNP rs2135355372, ClinGen allele CA2573146740.

ClinVar aggregate classification (germline): Uncertain significance (1 of 4 stars; one submission).

Conditions:
Ataxia-telangiectasia syndrome (AT). Also called: Ataxia-telangiectasia, complementation group D; AT, COMPLEMENTATION GROUP C; Cerebello-oculocutaneous telangiectasia; Immunodeficiency with ataxia telangiectasia; Ataxia-telangiectasia, complementation group E; LOUIS-BAR SYNDROME. Identifiers: Orphanet 100, MedGen C0004135, MONDO:0008840, OMIM 208900.

Allele frequency attached by ClinVar (database versions not stated): gnomAD exomes below 0.00001.

Submission:

Labcorp Genetics (formerly Invitae), Labcorp
Classification: Uncertain significance for Ataxia-telangiectasia syndrome. Last evaluated: 2020-12-22. Review status: criteria provided, single submitter. Criteria: Invitae Variant Classification Sherloc (09022015). Collection method: clinical testing. Allele origin: germline.
Comment: In summary, the available evidence is currently insufficient to determine the role of this variant in disease. Therefore, it has been classified as a Variant of Uncertain Significance. Algorithms developed to predict the effect of sequence changes on RNA splicing suggest that this variant may disrupt the consensus splice site, but this prediction has not been confirmed by published transcriptional studies. This variant has not been reported in the literature in individuals with ATM-related conditions. This variant is not present in population databases (ExAC no frequency). This sequence change falls in intron 12 of the ATM gene. It does not directly change the encoded amino acid sequence of the ATM protein, but it affects a nucleotide within the consensus splice site of the intron.